The following is an entry in ClinVar:

ClinVar aggregate classification (germline): Uncertain significance (1 of 4 stars; one submission).

Conditions:
Peutz-Jeghers syndrome (PJS). Also called: Peutz-Jeghers polyposis; Periorificial lentiginosis syndrome; POLYPOSIS, HAMARTOMATOUS INTESTINAL; POLYPS-AND-SPOTS SYNDROME. Identifiers: Orphanet 2869, MedGen C0031269, MeSH D010580, MONDO:0008280, OMIM 175200.

Submission:

Labcorp Genetics (formerly Invitae), Labcorp
Classification: Uncertain significance for Peutz-Jeghers syndrome. Last evaluated: 2021-05-20. Review status: criteria provided, single submitter. Criteria: Invitae Variant Classification Sherloc (09022015). Collection method: clinical testing. Allele origin: germline.
Comment: In summary, the available evidence is currently insufficient to determine the role of this variant in disease. Therefore, it has been classified as a Variant of Uncertain Significance. Advanced modeling of protein sequence and biophysical properties (such as structural, functional, and spatial information, amino acid conservation, physicochemical variation, residue mobility, and thermodynamic stability) performed at Invitae indicates that this missense variant is not expected to disrupt STK11 protein function. This variant has not been reported in the literature in individuals with STK11-related conditions. This variant is not present in population databases (ExAC no frequency). This sequence change replaces lysine with isoleucine at codon 403 of the STK11 protein (p.Lys403Ile). The lysine residue is moderately conserved and there is a moderate physicochemical difference between lysine and isoleucine.

NM_000455.5(STK11):c.1208A>T (p.Lys403Ile)

Gene: STK11 (serine/threonine kinase 11; plus strand). Cytogenetic location: 19p13.3.
Variant type: single nucleotide variant.
Coding change: c.1208A>T on transcript NM_000455.5 (MANE Select); coding-DNA position 1208, A replaced by T.
Protein change: p.Lys403Ile; replaces lysine 403 with isoleucine.
Molecular consequence: missense variant.
Genome position (GRCh38, 1-based): chr19:1,226,553, A>T. VCF-style: chr19-1226553-A-T. GRCh37 (hg19) VCF-style: chr19-1226552-A-T.
Other names: short protein forms K403I.
Identifiers: ClinVar variation 1467284 (VCV001467284.8), dbSNP rs587781633, ClinGen allele CA402953729.